The following is an entry in ClinVar:

ClinVar aggregate classification (germline): Uncertain significance (0 of 4 stars; one submission).

Conditions:
Prostate cancer. Also called: Malignant tumor of prostate. Identifiers: Orphanet 1331, MedGen C0376358, MONDO:0008315, HP:0012125.

Submission:

Science for Life laboratory,  Karolinska Institutet
Classification: Uncertain significance for Malignant tumor of prostate. Review status: no assertion criteria provided. Collection method: not provided. Allele origin: somatic.
Comment: TumorID:SWE-91B
ClinVar note: Converted during submission from Unknown to Uncertain significance.

NM_000322.5(PRPH2):c.997G>A (p.Glu333Lys)

Gene: PRPH2 (peripherin 2; minus strand). Cytogenetic location: 6p21.1.
Variant type: single nucleotide variant.
Coding change: c.997G>A on transcript NM_000322.5 (MANE Select); coding-DNA position 997, G replaced by A.
Protein change: p.Glu333Lys; replaces glutamic acid 333 with lysine.
Molecular consequence: missense variant.
Genome position (GRCh38, 1-based): chr6:42,698,339, C>T on the plus strand (G>A on the coding strand, the complement: PRPH2 is on the minus strand). VCF-style: chr6-42698339-C-T. GRCh37 (hg19) VCF-style: chr6-42666077-C-T.
Other names: short protein forms E333K.
Identifiers: ClinVar variation 161464 (VCV000161464.2), dbSNP rs193921105, ClinGen allele CA174085.